The following is an entry in ClinVar:

NM_001130438.3(SPTAN1):c.1534T>G (p.Phe512Val)

Gene: SPTAN1 (spectrin alpha, non-erythrocytic 1; plus strand). Cytogenetic location: 9q34.11.
Variant type: single nucleotide variant.
Coding change: c.1534T>G on transcript NM_001130438.3 (MANE Select); coding-DNA position 1534, T replaced by G.
Protein change: p.Phe512Val; replaces phenylalanine 512 with valine.
Molecular consequence: missense variant.
Genome position (GRCh38, 1-based): chr9:128,581,854, T>G. VCF-style: chr9-128581854-T-G. GRCh37 (hg19) VCF-style: chr9-131344133-T-G.
Other names: c.1534T>G, p.Phe512Val (NM_001195532.2, NM_001363759.2, NM_001363765.2 and 1 more transcripts); short protein forms F512V.
Identifiers: ClinVar variation 238538 (VCV000238538.13), dbSNP rs147444364, ClinGen allele CA5264425.

ClinVar aggregate classification (germline): Uncertain significance. Review status: criteria provided, multiple submitters, no conflicts (2 of 4 stars). 3 submissions from 3 submitters: Uncertain significance (3). Last evaluated 2025-05-12.

Conditions:
Inborn genetic diseases. Identifiers: MedGen C0950123, MeSH D030342.
Early-infantile DEE. Also called: Early infantile epileptic encephalopathy with suppression bursts; Early infantile epileptic encephalopathy; Ohtahara syndrome. Identifiers: Orphanet 1934, MedGen C0393706, MONDO:0800491.
Distal spinal muscular atrophy. Also called: Distal hereditary motor neuronopathy; Distal hereditary motor neuropathy. Identifiers: Orphanet 53739, MedGen C0393541, MONDO:0018894.

Allele frequency attached by ClinVar (database versions not stated): gnomAD exomes below 0.00001 and 0.00001; ExAC 0.00001; gnomAD 0.00001; TOPMed 0.00002; ESP Exome Variant Server 0.00008.
gnomAD v4.1: 15 of 1,613,926 alleles (0.00093%); highest among the groups gnomAD compares: Non-Finnish European, 0.0012%; no homozygotes.

Submissions (3):

Labcorp Genetics (formerly Invitae), Labcorp
Classification: Uncertain significance for Early-infantile DEE. Last evaluated: 2025-05-12. Review status: criteria provided, single submitter. Criteria: Invitae Variant Classification Sherloc (09022015). Collection method: clinical testing. Allele origin: germline.
Comment: This sequence change replaces phenylalanine, which is neutral and non-polar, with valine, which is neutral and non-polar, at codon 512 of the SPTAN1 protein (p.Phe512Val). This variant is not present in population databases (gnomAD no frequency). This variant has not been reported in the literature in individuals affected with SPTAN1-related conditions. ClinVar contains an entry for this variant (Variation ID: 238538). Invitae Evidence Modeling of protein sequence and biophysical properties (such as structural, functional, and spatial information, amino acid conservation, physicochemical variation, residue mobility, and thermodynamic stability) has been performed for this missense variant. However, the output from this modeling did not meet the statistical confidence thresholds required to predict the impact of this variant on SPTAN1 protein function. In summary, the available evidence is currently insufficient to determine the role of this variant in disease. Therefore, it has been classified as a Variant of Uncertain Significance.

Molecular Genetics, Royal Melbourne Hospital
Classification: Uncertain significance for Distal spinal muscular atrophy. Last evaluated: 2023-03-30. Review status: criteria provided, single submitter. Criteria: ACMG Guidelines, 2015. Collection method: clinical testing. Allele origin: germline.
Comment: This sequence change is predicted to replace phenylalanine with valine at codon 512 of the SPTAN1 protein (p.(Phe512Val)). The phenylalanine residue is evolutionarily conserved (100 vertebrates, UCSC), and is located in the spectrin 5 repeat. There is a small physicochemical difference between phenylalanine and valine. The variant is present in a large population cohort at a frequency of 0.001% (2/152,144 alleles, 0 homozygotes in gnomAD v3.1), and has been classified as a variant of uncertain significance (ClinVar). Multiple lines of computational evidence predict a deleterious effect for the missense substitution (5/6 algorithms). Based on the classification scheme RMH Modified ACMG Guidelines v1.3.2, this variant is classified as a VARIANT OF UNCERTAIN SIGNIFICANCE. Following criteria are met: PM2_Supporting, PP3.

Ambry Genetics
Classification: Uncertain significance for Inborn genetic diseases. Last evaluated: 2022-09-07. Review status: criteria provided, single submitter. Criteria: Ambry Variant Classification Scheme 2023. Collection method: clinical testing. Allele origin: germline.